The following is an entry in ClinVar:

NM_000090.4(COL3A1):c.1109A>G (p.Glu370Gly)

Gene: COL3A1 (collagen type III alpha 1 chain; plus strand). Cytogenetic location: 2q32.2.
Variant type: single nucleotide variant.
Coding change: c.1109A>G on transcript NM_000090.4 (MANE Select); coding-DNA position 1109, A replaced by G.
Protein change: p.Glu370Gly; replaces glutamic acid 370 with glycine.
Molecular consequence: missense variant.
Genome position (GRCh38, 1-based): chr2:188,993,419, A>G. VCF-style: chr2-188993419-A-G. GRCh37 (hg19) VCF-style: chr2-189858145-A-G.
Other names: short protein forms E370G.
Identifiers: ClinVar variation 1332085 (VCV001332085.12), dbSNP rs748323501, ClinGen allele CA073803.

ClinVar aggregate classification (germline): Uncertain significance. Review status: criteria provided, multiple submitters, no conflicts (2 of 4 stars). 4 submissions from 4 submitters: Uncertain significance (4). Last evaluated 2024-11-27.

Conditions:
Ehlers-Danlos syndrome, type 4 (EDSVASC). Also called: Ehlers-Danlos syndrome vascular type; Ehlers Danlos syndrome, ecchymotic type; Ehlers Danlos syndrome, arterial type; Ehlers Danlos syndrome, Sack-Barabas type; Ehlers-Danlos Syndrome Type IV. Identifiers: Orphanet 286, MedGen C0268338, MONDO:0017314, OMIM 130050.
Familial thoracic aortic aneurysm and aortic dissection (TAAD). Also called: Thoracic aortic aneurysms and dissections. Identifiers: Orphanet 91387, MedGen C4707243, MONDO:0019625.

Allele frequency attached by ClinVar (database versions not stated): gnomAD exomes below 0.00001; TOPMed below 0.00001; gnomAD 0.00001.
gnomAD v4.1: 3 of 1,564,082 alleles (0.00019%); highest among the groups gnomAD compares: Non-Finnish European, 0.00026%; no homozygotes.

Submissions (4):

Labcorp Genetics (formerly Invitae), Labcorp
Classification: Uncertain significance for Ehlers-Danlos syndrome, type 4. Last evaluated: 2024-11-27. Review status: criteria provided, single submitter. Criteria: Invitae Variant Classification Sherloc (09022015). Collection method: clinical testing. Allele origin: germline.
Comment: This sequence change replaces glutamic acid, which is acidic and polar, with glycine, which is neutral and non-polar, at codon 370 of the COL3A1 protein (p.Glu370Gly). This variant is not present in population databases (gnomAD no frequency). This variant has not been reported in the literature in individuals affected with COL3A1-related conditions. ClinVar contains an entry for this variant (Variation ID: 1332085). Invitae Evidence Modeling of protein sequence and biophysical properties (such as structural, functional, and spatial information, amino acid conservation, physicochemical variation, residue mobility, and thermodynamic stability) has been performed for this missense variant. However, the output from this modeling did not meet the statistical confidence thresholds required to predict the impact of this variant on COL3A1 protein function. In summary, the available evidence is currently insufficient to determine the role of this variant in disease. Therefore, it has been classified as a Variant of Uncertain Significance.

All of Us Research Program, National Institutes of Health
Classification: Uncertain significance for Ehlers-Danlos syndrome, type 4. Last evaluated: 2024-05-14. Review status: criteria provided, single submitter. Criteria: ACMG Guidelines, 2015. Collection method: clinical testing. Allele origin: germline. Inheritance: Autosomal dominant inheritance. Observed: 3 variant alleles, 3 heterozygotes.
Comment: This missense variant replaces glutamic acid with glycine at codon 370 of the COL3A1 protein. Computational prediction suggests that this variant may have deleterious impact on protein structure and function (internally defined REVEL score threshold >= 0.7, PMID: 27666373). To our knowledge, functional studies have not been reported for this variant. This variant has not been reported in individuals affected with COL3A1-related disorders in the literature. This variant has not been identified in the general population by the Genome Aggregation Database (gnomAD). The available evidence is insufficient to determine the role of this variant in disease conclusively. Therefore, this variant is classified as a Variant of Uncertain Significance.

This study involves interpretation of variants in research participants for the purpose of population health screening. Participant phenotype was not available at the time of variant classification. Additional details can be found in publication PMID: 35346344, PMCID: PMC8962531

Color Diagnostics, LLC DBA Color Health
Classification: Uncertain significance for Familial thoracic aortic aneurysm and aortic dissection. Last evaluated: 2024-03-07. Review status: criteria provided, single submitter. Criteria: ACMG Guidelines, 2015. Collection method: clinical testing. Allele origin: germline.
Comment: This missense variant replaces glutamic acid with glycine at codon 370 of the COL3A1 protein. Computational prediction suggests that this variant may have deleterious impact on protein structure and function (internally defined REVEL score threshold >= 0.7, PMID: 27666373). To our knowledge, functional studies have not been reported for this variant. This variant has not been reported in individuals affected with COL3A1-related disorders in the literature. This variant has not been identified in the general population by the Genome Aggregation Database (gnomAD). The available evidence is insufficient to determine the role of this variant in disease conclusively. Therefore, this variant is classified as a Variant of Uncertain Significance.

Ambry Genetics
Classification: Uncertain significance for Familial thoracic aortic aneurysm and aortic dissection. Last evaluated: 2020-10-09. Review status: criteria provided, single submitter. Criteria: Ambry Variant Classification Scheme 2023. Collection method: clinical testing. Allele origin: germline.
Comment: The p.E370G variant (also known as c.1109A>G), located in coding exon 16 of the COL3A1 gene, results from an A to G substitution at nucleotide position 1109. The glutamic acid at codon 370 is replaced by glycine, an amino acid with similar properties. This amino acid position is highly conserved in available vertebrate species. In addition, the in silico prediction for this alteration is inconclusive. Since supporting evidence is limited at this time, the clinical significance of this alteration remains unclear.